The following is an entry in ClinVar:

ClinVar aggregate classification (germline): Benign. Review status: criteria provided, multiple submitters, no conflicts (2 of 4 stars). 2 submissions from 2 submitters: Benign (2). Last evaluated 2026-09-01.

gnomAD v4.1: 20,195 of 1,614,150 alleles (1.3%); highest among the groups gnomAD compares: South Asian, 3.7%; 229 homozygotes.

Submissions (2):

CeGaT Center for Human Genetics Tuebingen
Classification: Benign. Last evaluated: 2026-09-01. Review status: criteria provided, single submitter. Criteria: CeGaT Center For Human Genetics Tuebingen Variant Classification Criteria Version 2. Collection method: clinical testing. Allele origin: germline. Affected: yes. Observed: 1 variant allele.
Comment: MCM10: BP4, BS1, BS2

Mayo Clinic Laboratories, Mayo Clinic
Classification: Benign. Last evaluated: 2025-10-08. Review status: criteria provided, single submitter. Criteria: ACMG Guidelines, 2015. Collection method: clinical testing. Allele origin: germline. Observed: 1 variant allele.
Comment: BS1, BS2, BP4_moderate

NM_018518.5(MCM10):c.1250C>T (p.Ala417Val)

Gene: MCM10 (minichromosome maintenance 10 replication initiation factor; plus strand). Cytogenetic location: 10p13.
Variant type: single nucleotide variant.
Coding change: c.1250C>T on transcript NM_018518.5 (MANE Select); coding-DNA position 1250, C replaced by T.
Protein change: p.Ala417Val; replaces alanine 417 with valine.
Molecular consequence: missense variant.
Genome position (GRCh38, 1-based): chr10:13,188,915, C>T. VCF-style: chr10-13188915-C-T. GRCh37 (hg19) VCF-style: chr10-13230915-C-T.
Other names: p.Ala418Val; c.1253C>T, p.Ala418Val (NM_182751.3); short protein forms A417V, A418V.
Identifiers: ClinVar variation 4683482 (VCV004683482.2).